The following is an entry in ClinVar:

NM_001144967.3(NEDD4L):c.1678T>G (p.Leu560Val)

Gene: NEDD4L (NEDD4 like E3 ubiquitin protein ligase; plus strand). Cytogenetic location: 18q21.31.
Variant type: single nucleotide variant.
Coding change: c.1678T>G on transcript NM_001144967.3 (MANE Select); coding-DNA position 1678, T replaced by G.
Protein change: p.Leu560Val; replaces leucine 560 with valine.
Molecular consequence: missense variant.
Genome position (GRCh38, 1-based): chr18:58,351,015, T>G. VCF-style: chr18-58351015-T-G. GRCh37 (hg19) VCF-style: chr18-56018247-T-G.
Other names: c.1255T>G, p.Leu419Val (NM_001144971.2, NM_001144970.3); c.1486T>G, p.Leu496Val (NM_001243960.2); c.1618T>G, p.Leu540Val (NM_015277.6); c.1315T>G, p.Leu439Val (NM_001144964.1, NM_001144965.2, NM_001144966.3); c.1654T>G, p.Leu552Val (NM_001144968.2); c.1594T>G, p.Leu532Val (NM_001144969.2); short protein forms L419V, L439V, L496V, L532V, L552V, L540V, L560V.
Identifiers: ClinVar variation 2699176 (VCV002699176.3), dbSNP rs1192500689, ClinGen allele CA402540909.
Genomic context (GRCh38, chr18:58,351,015, plus strand): 5'-TATATTTTCTCTCTCCCTTCCTTCCCCGGATACTAGCCTGGCTGGGAAGAAAGAATTCAC[T>G]TGGATGGCCGAACGTTTTATATTGATCATAGTAAGTAGGCGCTGTTATGGACACACAGGT-3'
Protein context (NP_001138439.1, residues 550-570): LPPGWEERIH[Leu560Val]DGRTFYIDHN

ClinVar aggregate classification (germline): Uncertain significance (1 of 4 stars; one submission).

gnomAD v4.1: 2 of 1,594,826 alleles (0.00013%); highest among the groups gnomAD compares: African/African-American, 0.0027%; no homozygotes.

Submission:

Labcorp Genetics (formerly Invitae), Labcorp
Classification: Uncertain significance. Last evaluated: 2024-09-05. Review status: criteria provided, single submitter. Criteria: Invitae Variant Classification Sherloc (09022015). Collection method: clinical testing. Allele origin: germline.
Comment: This sequence change replaces leucine, which is neutral and non-polar, with valine, which is neutral and non-polar, at codon 540 of the NEDD4L protein (p.Leu540Val). This variant is not present in population databases (gnomAD no frequency). This variant has not been reported in the literature in individuals affected with NEDD4L-related conditions. Invitae Evidence Modeling of protein sequence and biophysical properties (such as structural, functional, and spatial information, amino acid conservation, physicochemical variation, residue mobility, and thermodynamic stability) indicates that this missense variant is not expected to disrupt NEDD4L protein function with a negative predictive value of 80%. In summary, the available evidence is currently insufficient to determine the role of this variant in disease. Therefore, it has been classified as a Variant of Uncertain Significance.